The following is an entry in ClinVar:

ClinVar aggregate classification (germline): Uncertain significance (1 of 4 stars; one submission).

Conditions:
Rhabdoid tumor predisposition syndrome 2 (RTPS2). Identifiers: Orphanet 231108, Orphanet 69077, MedGen C2750074, MONDO:0013224, OMIM 613325.

Submission:

Labcorp Genetics (formerly Invitae), Labcorp
Classification: Uncertain significance for Rhabdoid tumor predisposition syndrome 2. Last evaluated: 2025-07-29. Review status: criteria provided, single submitter. Criteria: Invitae Variant Classification Sherloc (09022015). Collection method: clinical testing. Allele origin: germline.
Comment: This sequence change replaces proline, which is neutral and non-polar, with arginine, which is basic and polar, at codon 1527 of the SMARCA4 protein (p.Pro1527Arg). This variant is not present in population databases (gnomAD no frequency). This variant has not been reported in the literature in individuals affected with SMARCA4-related conditions. Invitae Evidence Modeling of protein sequence and biophysical properties (such as structural, functional, and spatial information, amino acid conservation, physicochemical variation, residue mobility, and thermodynamic stability) indicates that this missense variant is expected to disrupt SMARCA4 protein function with a positive predictive value of 95%. In summary, the available evidence is currently insufficient to determine the role of this variant in disease. Therefore, it has been classified as a Variant of Uncertain Significance.

NM_003072.5(SMARCA4):c.4484C>G (p.Pro1495Arg)

Gene: SMARCA4 (SWI/SNF related BAF chromatin remodeling complex subunit ATPase 4; plus strand). Cytogenetic location: 19p13.2.
Variant type: single nucleotide variant.
Coding change: c.4484C>G on transcript NM_003072.5 (MANE Select); coding-DNA position 4484, C replaced by G.
Protein change: p.Pro1495Arg; replaces proline 1495 with arginine.
Molecular consequence: missense variant. On other transcripts: non-coding transcript variant (1).
Genome position (GRCh38, 1-based): chr19:11,058,314, C>G. VCF-style: chr19-11058314-C-G. GRCh37 (hg19) VCF-style: chr19-11168990-C-G.
Other names: c.4484C>G, p.Pro1495Arg (NM_001128844.3); c.4394C>G, p.Pro1465Arg (NM_001128845.2); c.4391C>G, p.Pro1464Arg (NM_001128846.2); c.4385C>G, p.Pro1462Arg (NM_001128847.4, NM_001374457.1); c.4382C>G, p.Pro1461Arg (NM_001128848.2); c.4580C>G, p.Pro1527Arg (NM_001128849.3, NM_001387283.1); c.4481C>G, p.Pro1494Arg (NM_001411150.1); short protein forms P1461R, P1462R, P1464R, P1465R, P1494R, P1495R, P1527R.
Identifiers: ClinVar variation 4802587 (VCV004802587.1).